The following is an entry in ClinVar:

NM_000038.6(APC):c.1143del (p.Arg382fs)

Gene: APC (APC regulator of Wnt signaling pathway; plus strand). Cytogenetic location: 5q22.2.
Variant type: Deletion.
Coding change: c.1143del on transcript NM_000038.6 (MANE Select); coding-DNA position 1143, one base deleted (C; older notation c.1143delC).
Protein change: p.Arg382fs; shifts the reading frame from arginine 382.
Molecular consequence: frameshift variant. On other transcripts: non-coding transcript variant (2), intron variant (15).
Genome position (GRCh38, 1-based): chr5:112,819,175, C deleted; the last of 2 consecutive C bases (chr5:112,819,174-112,819,175); deleting either gives the same sequence. VCF-style (leftmost placement, unchanged base first): chr5-112819173-GC-G. GRCh37 (hg19) VCF-style: chr5-112154870-GC-G.
Other names: c.1143del, p.Arg382fs (NM_001127510.3, NM_001354895.2, NM_001354896.2 and 4 more transcripts); c.1089del, p.Arg364fs (NM_001127511.3); c.1173del, p.Arg392fs (NM_001354897.2, NM_001407446.1); c.1068del, p.Arg357fs (NM_001354898.2, NM_001407451.1); c.1059del, p.Arg354fs (NM_001354899.2, NM_001407452.1); c.966del, p.Arg323fs (NM_001354900.2, NM_001354901.2, NM_001407453.1); c.294del, p.Arg99fs (NM_001354906.2, NM_001407470.1); c.85-94del (NM_001407472.1, NM_001407471.1); and 5 more; short protein forms R323fs, R354fs, R357fs, R364fs, R382fs, R392fs, R99fs.
Identifiers: ClinVar variation 2583237 (VCV002583237.2), dbSNP rs2533048046, ClinGen allele CA2582341386.

ClinVar aggregate classification (germline): Pathogenic (1 of 4 stars; one submission).

Conditions:
Familial adenomatous polyposis 1 (FAP1). Also called: POLYPOSIS, ADENOMATOUS INTESTINAL; FAMILIAL ADENOMATOUS POLYPOSIS 1, ATTENUATED. Identifiers: MedGen C2713442, MONDO:0021056, OMIM 175100. Disease mechanism: loss of function.

Submission:

Myriad Genetics, Inc.
Classification: Pathogenic for Familial adenomatous polyposis 1. Last evaluated: 2023-04-28. Review status: criteria provided, single submitter. Criteria: Myriad Autosomal Dominant, Autosomal Recessive and X-Linked Classification Criteria (2023). Collection method: clinical testing. Allele origin: unknown.
Comment: This variant is considered pathogenic. This variant creates a frameshift predicted to result in premature protein truncation.